The following is an entry in ClinVar:

NM_033026.6(PCLO):c.7015G>A (p.Val2339Met)

Gene: PCLO (piccolo presynaptic cytomatrix protein; minus strand). Cytogenetic location: 7q21.11.
Variant type: single nucleotide variant.
Coding change: c.7015G>A on transcript NM_033026.6 (MANE Select); coding-DNA position 7015, G replaced by A.
Protein change: p.Val2339Met; replaces valine 2339 with methionine.
Molecular consequence: missense variant.
Genome position (GRCh38, 1-based): chr7:82,953,938, C>T on the plus strand (G>A on the coding strand, the complement: PCLO is on the minus strand). VCF-style: chr7-82953938-C-T. GRCh37 (hg19) VCF-style: chr7-82583254-C-T.
Other names: c.7015G>A, p.Val2339Met (NM_014510.3); c.7015G>A (NM_033026.5); short protein forms V2339M.
Identifiers: ClinVar variation 1509157 (VCV001509157.7), dbSNP rs779720139, ClinGen allele CA4320369.

ClinVar aggregate classification (germline): Uncertain significance. Review status: criteria provided, multiple submitters, no conflicts (2 of 4 stars). 3 submissions from 3 submitters: Uncertain significance (3). Last evaluated 2025-11-03.

Conditions:
Inborn genetic diseases. Identifiers: MedGen C0950123, MeSH D030342.

Allele frequency attached by ClinVar (database versions not stated): gnomAD exomes 0.00003 and 0.00007; TOPMed 0.00004; gnomAD 0.00007; ExAC 0.00008.
gnomAD v4.1: 53 of 1,613,736 alleles (0.0033%); highest among the groups gnomAD compares: Middle Eastern, 0.12%; no homozygotes.

Submissions (3):

Labcorp Genetics (formerly Invitae), Labcorp
Classification: Uncertain significance. Last evaluated: 2025-11-03. Review status: criteria provided, single submitter. Criteria: Invitae Variant Classification Sherloc (09022015). Collection method: clinical testing. Allele origin: germline.
Comment: This sequence change replaces valine, which is neutral and non-polar, with methionine, which is neutral and non-polar, at codon 2339 of the PCLO protein (p.Val2339Met). This variant is present in population databases (rs779720139, gnomAD 0.01%). This variant has not been reported in the literature in individuals affected with PCLO-related conditions. ClinVar contains an entry for this variant (Variation ID: 1509157). Experimental studies and prediction algorithms are not available or were not evaluated, and the functional significance of this variant is currently unknown. In summary, the available evidence is currently insufficient to determine the role of this variant in disease. Therefore, it has been classified as a Variant of Uncertain Significance.

Ambry Genetics
Classification: Uncertain significance for Inborn genetic diseases. Last evaluated: 2025-02-26. Review status: criteria provided, single submitter. Criteria: Ambry Variant Classification Scheme 2023. Collection method: clinical testing. Allele origin: germline.

Breakthrough Genomics
Classification: Uncertain significance. Review status: criteria provided, single submitter. Criteria: ACMG Guidelines, 2015. Collection method: not provided. Allele origin: germline. Inheritance: Autosomal recessive inheritance. Affected: yes.